The following is an entry in ClinVar:

NM_015450.3(POT1):c.1465T>C (p.Ser489Pro)

Gene: POT1 (protection of telomeres 1; minus strand). Cytogenetic location: 7q31.33.
Variant type: single nucleotide variant.
Coding change: c.1465T>C on transcript NM_015450.3 (MANE Select); coding-DNA position 1465, T replaced by C.
Protein change: p.Ser489Pro; replaces serine 489 with proline.
Molecular consequence: missense variant. On other transcripts: non-coding transcript variant (3).
Genome position (GRCh38, 1-based): chr7:124,835,319, A>G on the plus strand (T>C on the coding strand, the complement: POT1 is on the minus strand). VCF-style: chr7-124835319-A-G. GRCh37 (hg19) VCF-style: chr7-124475373-A-G.
Other names: c.1072T>C, p.Ser358Pro (NM_001042594.2); short protein forms S358P, S489P.
Identifiers: ClinVar variation 1058013 (VCV001058013.9), dbSNP rs2116443997, ClinGen allele CA369065559.
Genomic context (GRCh38, chr7:124,835,319, plus strand): 5'-AACAAAACAAAACAAAATACCCATAGTGATGTATTGTTCCTTGTATAAGAAATGGTGCTG[A>G]AAGGTCCAAAAGTTCCAGGTCTTCGTGGCCAGATCTCACAGGAATTACACTATTAAACTT-3'
Protein context (NP_056265.2, residues 479-499): GHEDLELLDL[Ser489Pro]APFLIQGTIH

ClinVar aggregate classification (germline): Uncertain significance (1 of 4 stars; one submission).

Conditions:
Tumor predisposition syndrome 3 (TPDS3). Also called: Melanoma, cutaneous malignant, susceptibility to, 10; Glioma susceptibility 9; LONG TELOMERE SYNDROME, POT1-RELATED; POT1 Tumor Predisposition. Identifiers: Orphanet 618, MedGen C4014476, MONDO:0014368, OMIM 615848.

Submission:

Labcorp Genetics (formerly Invitae), Labcorp
Classification: Uncertain significance for Tumor predisposition syndrome 3. Last evaluated: 2020-09-05. Review status: criteria provided, single submitter. Criteria: Invitae Variant Classification Sherloc (09022015). Collection method: clinical testing. Allele origin: germline.
Comment: In summary, the available evidence is currently insufficient to determine the role of this variant in disease. Therefore, it has been classified as a Variant of Uncertain Significance. Algorithms developed to predict the effect of missense changes on protein structure and function are either unavailable or do not agree on the potential impact of this missense change (SIFT: "Deleterious"; PolyPhen-2: "Benign"; Align-GVGD: "Class C0"). This variant has not been reported in the literature in individuals with POT1-related conditions. This variant is not present in population databases (ExAC no frequency). This sequence change replaces serine with proline at codon 489 of the POT1 protein (p.Ser489Pro). The serine residue is highly conserved and there is a moderate physicochemical difference between serine and proline.